The following is an entry in ClinVar:

ClinVar aggregate classification (germline): Uncertain significance (1 of 4 stars; one submission).

Submission:

Labcorp Genetics (formerly Invitae), Labcorp
Classification: Uncertain significance. Last evaluated: 2025-01-23. Review status: criteria provided, single submitter. Criteria: Invitae Variant Classification Sherloc (09022015). Collection method: clinical testing. Allele origin: germline.
Comment: This sequence change replaces phenylalanine, which is neutral and non-polar, with serine, which is neutral and polar, at codon 264 of the PSMG2 protein (p.Phe264Ser). This variant is not present in population databases (gnomAD no frequency). This variant has not been reported in the literature in individuals affected with PSMG2-related conditions. An algorithm developed to predict the effect of missense changes on protein structure and function (PolyPhen-2) suggests that this variant is likely to be disruptive. In summary, the available evidence is currently insufficient to determine the role of this variant in disease. Therefore, it has been classified as a Variant of Uncertain Significance.

NM_020232.5(PSMG2):c.791T>C (p.Phe264Ser)

Gene: PSMG2 (proteasome assembly chaperone 2; plus strand). Cytogenetic location: 18p11.21.
Variant type: single nucleotide variant.
Coding change: c.791T>C on transcript NM_020232.5 (MANE Select); coding-DNA position 791, T replaced by C.
Protein change: p.Phe264Ser; replaces phenylalanine 264 with serine.
Molecular consequence: missense variant.
Genome position (GRCh38, 1-based): chr18:12,725,527, T>C. VCF-style: chr18-12725527-T-C. GRCh37 (hg19) VCF-style: chr18-12725526-T-C.
Other names: c.698T>C, p.Phe233Ser (NM_147163.2); short protein forms F264S, F233S.
Identifiers: ClinVar variation 3688084 (VCV003688084.2).